The following is an entry in ClinVar:

ClinVar aggregate classification (germline): Uncertain significance. Review status: criteria provided, multiple submitters, no conflicts (2 of 4 stars). 2 submissions from 2 submitters: Uncertain significance (2). Last evaluated 2026-06-11.

Conditions:
Developmental and epileptic encephalopathy, 44 (DEE44). Also called: Epileptic encephalopathy, early infantile, 44. Identifiers: MedGen C4310700, MONDO:0014933, OMIM 617132.
Spinocerebellar ataxia, autosomal recessive 24 (SCAR24). Identifiers: MedGen C4310699, MONDO:0014934, OMIM 617133.

Submissions (2):

Diagnostics Services (NGS), CSIR - Centre For Cellular And Molecular Biology
Classification: Uncertain significance for Developmental and epileptic encephalopathy, 44; Spinocerebellar ataxia, autosomal recessive 24. Last evaluated: 2026-06-11. Review status: criteria provided, single submitter. Criteria: ACMG Guidelines, 2015. Collection method: clinical testing. Allele origin: germline. Affected: no. Observed: 1 variant allele, 1 heterozygote.

Revvity Omics, Revvity
Classification: Uncertain significance. Last evaluated: 2025-07-16. Review status: criteria provided, single submitter. Criteria: ACMG Guidelines, 2015. Collection method: clinical testing. Allele origin: germline.

NM_024818.6(UBA5):c.419C>G (p.Pro140Arg)

Genes: UBA5 (ubiquitin like modifier activating enzyme 5; plus strand), NPHP3-ACAD11 (NPHP3-ACAD11 readthrough (NMD candidate); minus strand). Cytogenetic location: 3q22.1.
Variant type: single nucleotide variant.
Coding change: c.419C>G on transcript NM_024818.6 (MANE Select); coding-DNA position 419, C replaced by G.
Protein change: p.Pro140Arg; replaces proline 140 with arginine.
Molecular consequence: missense variant.
Genome position (GRCh38, 1-based): chr3:132,670,209, C>G. VCF-style: chr3-132670209-C-G. GRCh37 (hg19) VCF-style: chr3-132389053-C-G.
Other names: c.251C>G, p.Pro84Arg (NM_001320210.2, NM_198329.4); c.149C>G, p.Pro50Arg (NM_001321238.2); c.83C>G, p.Pro28Arg (NM_001321239.1); short protein forms P140R, P28R, P50R, P84R.
Identifiers: ClinVar variation 2690405 (VCV002690405.3), dbSNP rs2530321320, ClinGen allele CA354573291.